The following is an entry in ClinVar:

NM_001037333.3(CYFIP2):c.3114G>C (p.Glu1038Asp)

Genes: CYFIP2 (cytoplasmic FMR1 interacting protein 2; plus strand), NIPAL4-DT (NIPAL4 divergent transcript; minus strand). Cytogenetic location: 5q33.3.
Variant type: single nucleotide variant.
Coding change: c.3114G>C on transcript NM_001037333.3 (MANE Select); coding-DNA position 3114, G replaced by C.
Protein change: p.Glu1038Asp; replaces glutamic acid 1038 with aspartic acid.
Molecular consequence: missense variant.
Genome position (GRCh38, 1-based): chr5:157,383,266, G>C. VCF-style: chr5-157383266-G-C. GRCh37 (hg19) VCF-style: chr5-156810274-G-C.
Other names: c.3036G>C, p.Glu1012Asp (NM_001291721.2); c.3189G>C, p.Glu1063Asp (NM_001291722.2); c.3114G>C, p.Glu1038Asp (NM_014376.4); short protein forms E1012D, E1038D, E1063D.
Identifiers: ClinVar variation 3726909 (VCV003726909.2).

ClinVar aggregate classification (germline): Uncertain significance (1 of 4 stars; one submission).

gnomAD v4.1: 1 of 1,613,606 alleles (0.000062%); highest among the groups gnomAD compares: Middle Eastern, 0.017%; no homozygotes.

Submission:

Labcorp Genetics (formerly Invitae), Labcorp
Classification: Uncertain significance. Last evaluated: 2024-12-14. Review status: criteria provided, single submitter. Criteria: Invitae Variant Classification Sherloc (09022015). Collection method: clinical testing. Allele origin: germline.
Comment: This sequence change replaces glutamic acid, which is acidic and polar, with aspartic acid, which is acidic and polar, at codon 1038 of the CYFIP2 protein (p.Glu1038Asp). This variant is not present in population databases (gnomAD no frequency). This variant has not been reported in the literature in individuals affected with CYFIP2-related conditions. Experimental studies and prediction algorithms are not available or were not evaluated, and the functional significance of this variant is currently unknown. In summary, the available evidence is currently insufficient to determine the role of this variant in disease. Therefore, it has been classified as a Variant of Uncertain Significance.